The following is an entry in ClinVar:

ClinVar aggregate classification (germline): Uncertain significance. Review status: criteria provided, multiple submitters, no conflicts (2 of 4 stars). 4 submissions from 4 submitters: Uncertain significance (4). Last evaluated 2026-02-03.

Conditions:
Cardiovascular phenotype. Identifiers: MedGen CN230736.
Arrhythmogenic cardiomyopathy with wooly hair and keratoderma. Also called: Dilated cardiomyopathy with woolly hair and keratoderma; Arrhythmogenic cardiomyopathy with woolly hair and keratoderma; PALMOPLANTAR KERATODERMA WITH LEFT VENTRICULAR CARDIOMYOPATHY AND WOOLLY HAIR; Carvajal syndrome. Identifiers: Orphanet 65282, MedGen C1854063, MONDO:0011581, OMIM 605676.
Arrhythmogenic right ventricular dysplasia 8 (ARVD8). Also called: Arrhythmogenic Right Ventricular Dysplasia/Cardiomyopathy 8; ARRHYTHMOGENIC RIGHT VENTRICULAR DYSPLASIA, FAMILIAL, 8; ARRHYTHMOGENIC RIGHT VENTRICULAR CARDIOMYOPATHY 8. Identifiers: MedGen C1843896, MONDO:0011831, OMIM 607450.
Cardiomyopathy (CMYO). Also called: Cardiomyopathies. Identifiers: Orphanet 167848, MedGen C0878544, MONDO:0004994, HP:0001638. Inheritance: Various modes of inheritance.

Allele frequency attached by ClinVar (database versions not stated): gnomAD exomes below 0.00001.
gnomAD v4.1: 3 of 1,614,136 alleles (0.00019%); highest among the groups gnomAD compares: Non-Finnish European, 0.00025%; no homozygotes.

Submissions (4):

Labcorp Genetics (formerly Invitae), Labcorp
Classification: Uncertain significance for Arrhythmogenic cardiomyopathy with wooly hair and keratoderma; Arrhythmogenic right ventricular dysplasia 8. Last evaluated: 2026-02-03. Review status: criteria provided, single submitter. Criteria: Invitae Variant Classification Sherloc (09022015). Collection method: clinical testing. Allele origin: germline.
Comment: This sequence change replaces asparagine, which is neutral and polar, with tyrosine, which is neutral and polar, at codon 458 of the DSP protein (p.Asn458Tyr). This variant is present in population databases (no rsID available, gnomAD 0.002%). This missense change has been observed in individual(s) with DSP-related conditions (PMID: 21723241). ClinVar contains an entry for this variant (Variation ID: 2925388). An algorithm developed to predict the effect of missense changes on protein structure and function (PolyPhen-2) suggests that this variant is likely to be tolerated. Experimental studies have shown that this missense change affects DSP function (PMID: 25225338). In summary, the available evidence is currently insufficient to determine the role of this variant in disease. Therefore, it has been classified as a Variant of Uncertain Significance.

Color Diagnostics, LLC DBA Color Health
Classification: Uncertain significance for Cardiomyopathy. Last evaluated: 2025-06-26. Review status: criteria provided, single submitter. Criteria: ACMG Guidelines, 2015. Collection method: clinical testing. Allele origin: germline.
Comment: This missense variant replaces asparagine with tyrosine at codon 458 of the DSP protein. Computational prediction suggests that this variant may not impact protein structure and function. A functional study has shown that this variant causes a reduction in microtubule growth rates (PMID: 25225338). This variant has been reported in individuals affected with arrhythmogenic right ventricular cardiomyopathy (PMID: 21723241, 24070718, 26138720). This variant has been identified in 2/251250 chromosomes in the general population by the Genome Aggregation Database (gnomAD). The available evidence is insufficient to determine the role of this variant in disease conclusively. Therefore, this variant is classified as a Variant of Uncertain Significance.

Ambry Genetics
Classification: Uncertain significance for Cardiovascular phenotype. Last evaluated: 2025-05-16. Review status: criteria provided, single submitter. Criteria: Ambry Variant Classification Scheme 2023. Collection method: clinical testing. Allele origin: germline.
Comment: The p.N458Y variant (also known as c.1372A>T), located in coding exon 11 of the DSP gene, results from an A to T substitution at nucleotide position 1372. The asparagine at codon 458 is replaced by tyrosine, an amino acid with dissimilar properties. This variant has been reported in association with arrhythmogenic right ventricular cardiomyopathy (ARVC) (Bauce B et al. Heart Rhythm, 2011 Nov;8:1686-95; Rigato I et al. Circ Cardiovasc Genet, 2013 Dec;6:533-42). This variant may have an impact on protein function (Patel DM et al. J Cell Biol, 2014 Sep;206:779-97). This amino acid position is not well conserved in available vertebrate species. In addition, this alteration is predicted to be tolerated by in silico analysis. Based on the available evidence, the clinical significance of this variant remains unclear.

All of Us Research Program, National Institutes of Health
Classification: Uncertain significance for Arrhythmogenic cardiomyopathy with wooly hair and keratoderma. Last evaluated: 2024-08-06. Review status: criteria provided, single submitter. Criteria: ACMG Guidelines, 2015. Collection method: clinical testing. Allele origin: germline. Inheritance: Autosomal dominant inheritance. Observed: 2 variant alleles, 2 heterozygotes.
Comment: This study involves interpretation of variants in research participants for the purpose of population health screening. Participant phenotype was not available at the time of variant classification. Additional details can be found in publication PMID: 35346344, PMCID: PMC8962531

Literature cited by the submitters: PubMed 21723241 (cited by 3 submitters); PubMed 25225338 (cited by 3 submitters); PubMed 24070718 (cited by Color Diagnostics, LLC DBA Color Health and Ambry Genetics); PubMed 26138720 (cited by Color Diagnostics, LLC DBA Color Health); PubMed 31194698 (cited by Ambry Genetics).

NM_004415.4(DSP):c.1372A>T (p.Asn458Tyr)

Gene: DSP (desmoplakin; plus strand). Cytogenetic location: 6p24.3.
Variant type: single nucleotide variant.
Coding change: c.1372A>T on transcript NM_004415.4 (MANE Select); coding-DNA position 1372, A replaced by T.
Protein change: p.Asn458Tyr; replaces asparagine 458 with tyrosine.
Molecular consequence: missense variant.
Genome position (GRCh38, 1-based): chr6:7,568,542, A>T. VCF-style: chr6-7568542-A-T. GRCh37 (hg19) VCF-style: chr6-7568775-A-T.
Other names: c.1372A>T, p.Asn458Tyr (NM_001008844.3, NM_001319034.2, NM_001406591.1); short protein forms N458Y.
Identifiers: ClinVar variation 2925388 (VCV002925388.7), dbSNP rs1173329405, ClinGen allele CA362676602.